The following is an entry in ClinVar:

ClinVar aggregate classification (germline): Likely pathogenic (1 of 4 stars; one submission).

Conditions:
Primary ciliary dyskinesia 3. Identifiers: Orphanet 244, MedGen C1837618, MONDO:0012085, OMIM 608644.

Submission:

Myriad Genetics, Inc.
Classification: Likely pathogenic for Primary ciliary dyskinesia 3. Last evaluated: 2021-11-07. Review status: criteria provided, single submitter. Criteria: Myriad Women's Health Autosomal Recessive and X-Linked Classification Criteria (2021). Collection method: clinical testing. Allele origin: unknown.
Comment: NM_001369.2(DNAH5):c.4102_4111del10(L1368Ffs*35) is expected to be pathogenic in the context of DNAH5-related primary ciliary dyskinesia. This variant is predicted to lead to an abnormal or absent protein product due to the creation of a premature termination codon in DNAH5, a gene where loss-of-function variants are known to be pathogenic. Please note: this variant was assessed in the context of healthy population screening.

NM_001369.3(DNAH5):c.4102_4111del (p.Leu1368fs)

Genes: DNAH5-AS1 (DNAH5 antisense RNA 1; plus strand), DNAH5 (dynein axonemal heavy chain 5; minus strand). Cytogenetic location: 5p15.2.
Variant type: Deletion.
Coding change: c.4102_4111del on transcript NM_001369.3 (MANE Select); coding-DNA positions 4102 to 4111, 10 bases deleted (CTTATCATGT; older notation c.4102_4111delCTTATCATGT).
Protein change: p.Leu1368fs; shifts the reading frame from leucine 1368.
Molecular consequence: frameshift variant.
Genome position (GRCh38, 1-based): chr5:13,866,225-13,866,234, ACATGATAAG deleted on the plus strand (CTTATCATGT on the coding strand, the reverse complement: DNAH5 is on the minus strand). VCF-style (leftmost placement, unchanged base first): chr5-13866224-AACATGATAAG-A. GRCh37 (hg19) VCF-style: chr5-13866333-AACATGATAAG-A.
Other names: short protein forms L1368fs.
Identifiers: ClinVar variation 1724208 (VCV001724208.2), dbSNP rs2546984307, ClinGen allele CA2580072134.